The following is an entry in ClinVar:

ClinVar aggregate classification (germline): Uncertain significance (1 of 4 stars; one submission).

gnomAD v4.1: 2 of 1,612,244 alleles (0.00012%); highest among the groups gnomAD compares: South Asian, 0.0011%; no homozygotes.

Submission:

Labcorp Genetics (formerly Invitae), Labcorp
Classification: Uncertain significance. Last evaluated: 2022-03-16. Review status: criteria provided, single submitter. Criteria: Invitae Variant Classification Sherloc (09022015). Collection method: clinical testing. Allele origin: germline.
Comment: This sequence change replaces arginine, which is basic and polar, with proline, which is neutral and non-polar, at codon 276 of the SLC25A42 protein (p.Arg276Pro). This variant is not present in population databases (gnomAD no frequency). This variant has not been reported in the literature in individuals affected with SLC25A42-related conditions. Algorithms developed to predict the effect of missense changes on protein structure and function are either unavailable or do not agree on the potential impact of this missense change (SIFT: "Tolerated"; PolyPhen-2: "Possibly Damaging"; Align-GVGD: "Class C0"). In summary, the available evidence is currently insufficient to determine the role of this variant in disease. Therefore, it has been classified as a Variant of Uncertain Significance.

NM_178526.5(SLC25A42):c.827G>C (p.Arg276Pro)

Gene: SLC25A42 (solute carrier family 25 member 42; plus strand). Cytogenetic location: 19p13.11.
Variant type: single nucleotide variant.
Coding change: c.827G>C on transcript NM_178526.5 (MANE Select); coding-DNA position 827, G replaced by C.
Protein change: p.Arg276Pro; replaces arginine 276 with proline.
Molecular consequence: missense variant.
Genome position (GRCh38, 1-based): chr19:19,110,746, G>C. VCF-style: chr19-19110746-G-C. GRCh37 (hg19) VCF-style: chr19-19221555-G-C.
Other names: c.827G>C, p.Arg276Pro (NM_001321544.2); short protein forms R276P.
Identifiers: ClinVar variation 2113063 (VCV002113063.4), dbSNP rs200692918, ClinGen allele CA404898047.